The following is an entry in ClinVar:

ClinVar aggregate classification (germline): Uncertain significance (1 of 4 stars; one submission).

Submission:

CeGaT Center for Human Genetics Tuebingen
Classification: Uncertain significance. Last evaluated: 2024-03-01. Review status: criteria provided, single submitter. Criteria: CeGaT Center For Human Genetics Tuebingen Variant Classification Criteria Version 2. Collection method: clinical testing. Allele origin: germline. Affected: yes. Observed: 1 variant allele.
Comment: TLR4: PM2

NM_138554.5(TLR4):c.182T>G (p.Leu61Arg)

Gene: TLR4 (toll like receptor 4; plus strand). Cytogenetic location: 9q33.1.
Variant type: single nucleotide variant.
Coding change: c.182T>G on transcript NM_138554.5 (MANE Select); coding-DNA position 182, T replaced by G.
Protein change: p.Leu61Arg; replaces leucine 61 with arginine.
Molecular consequence: missense variant. On other transcripts: intron variant (1).
Genome position (GRCh38, 1-based): chr9:117,708,651, T>G. VCF-style: chr9-117708651-T-G. GRCh37 (hg19) VCF-style: chr9-120470929-T-G.
Other names: c.62T>G, p.Leu21Arg (NM_003266.4); c.-340-3738T>G (NM_138557.3); short protein forms L21R, L61R.
Identifiers: ClinVar variation 3067650 (VCV003067650.21), dbSNP rs2490687062, ClinGen allele CA374653223.